The following is an entry in ClinVar:

ClinVar aggregate classification (germline): Pathogenic. Review status: criteria provided, multiple submitters, no conflicts (2 of 4 stars). 6 submissions from 6 submitters: Pathogenic (5). 1 of the submissions does not count toward it. Last evaluated 2025-04-05.

Conditions:
Noonan-like syndrome. Also called: Noonan Syndrome-like disorder. Identifiers: MedGen C1834120. Disease mechanism: gain of function.
Chitayat syndrome (CHYTS). Identifiers: MedGen C4310679, MONDO:0014956, OMIM 617180.
Lambdoidal craniosynostosis. Identifiers: MedGen C1833340, HP:0004443.
TWIST1-related craniosynostosis (CRS1). Also called: CRANIOSYNOSTOSIS 1. Identifiers: Orphanet 63440, MedGen C4551902, MONDO:0007399, OMIM 123100. Inheritance: Heterogenous inheritance pattern.

Submissions (6):

GeneDx
Classification: Pathogenic. Last evaluated: 2025-04-05. Review status: criteria provided, single submitter. Criteria: GeneDx Variant Classification Process June 2021. Collection method: clinical testing. Allele origin: germline. Affected: yes.
Comment: Nonsense variant predicted to result in protein truncation, as the last 366 amino acids are lost, and other loss-of-function variants have been reported downstream in HGMD; Not observed at significant frequency in large population cohorts (gnomAD); This variant is associated with the following publications: (PMID: 30758909, 35982159, 23354439, 34184330)

Dasa
Classification: Pathogenic. Last evaluated: 2025-02-04. Review status: criteria provided, single submitter. Criteria: DASA Assertion Criteria. Collection method: clinical testing. Allele origin: germline.
Comment: NM_006494.4(ERF):c.547C>T (p.Arg183*) introduces a premature termination codon predicted to result in loss of normal protein function. Loss-of-function is an established mechanism of disease for this gene. Segregation evidence has been reported in affected families. This variant has been reported in individuals with related phenotype (PMID: 23354439). The variant is present at low frequency in population datasets. Based on the available data, this variant is classified as pathogenic.

Department of Medical Genetics, Tohoku University School of Medicine
Classification: Pathogenic for Noonan Syndrome-like disorder. Last evaluated: 2025-01-10. Review status: criteria provided, single submitter. Criteria: ACMG Guidelines, 2015. Collection method: research. Allele origin: de novo. Affected: yes.
Comment: This variant is predicted to result in a premature stop codon at position 183 in ERF, and is absent in gnomAD 4.1. This variant has been identified as a de novo occurrence, without confirmation of paternity and maternity. This variant has been reported in multiple symptomatic individuals (PMID: 30758909; ClinVar variant ID: 55923) PVS1, PM2, PM6, PP5

Labcorp Genetics (formerly Invitae), Labcorp
Classification: Pathogenic for TWIST1-related craniosynostosis. Last evaluated: 2021-12-08. Review status: criteria provided, single submitter. Criteria: Invitae Variant Classification Sherloc (09022015). Collection method: clinical testing. Allele origin: germline.
Comment: For these reasons, this variant has been classified as Pathogenic. This variant disrupts a region of the ERF protein in which other variant(s) (p.Gly299Argfs*9) have been determined to be pathogenic (PMID: 23354439). This suggests that this is a clinically significant region of the protein, and that variants that disrupt it are likely to be disease-causing. ClinVar contains an entry for this variant (Variation ID: 55923). This premature translational stop signal has been observed in individual(s) with clinical features of ERF-related conditions (PMID: 23354439). It has also been observed to segregate with disease in related individuals. This variant is not present in population databases (gnomAD no frequency). This sequence change creates a premature translational stop signal (p.Arg183*) in the ERF gene. While this is not anticipated to result in nonsense mediated decay, it is expected to disrupt the last 366 amino acid(s) of the ERF protein.

Fulgent Genetics
Classification: Pathogenic for Craniosynostosis 4; Chitayat syndrome. Last evaluated: 2018-10-31. Review status: criteria provided, single submitter. Criteria: ACMG Guidelines, 2015. Collection method: clinical testing. Allele origin: unknown.

OMIM
Classification: Pathogenic for CRANIOSYNOSTOSIS 4. Last evaluated: 2013-03-01. Review status: no assertion criteria provided. Collection method: literature only. Allele origin: germline. Not counted in ClinVar's aggregate classification.

Literature cited by the submitters: PubMed 23354439 (cited by 3 submitters).

NM_006494.4(ERF):c.547C>T (p.Arg183Ter)

Gene: ERF (ETS2 repressor factor; minus strand). Cytogenetic location: 19q13.2.
Variant type: single nucleotide variant.
Coding change: c.547C>T on transcript NM_006494.4 (MANE Select); coding-DNA position 547, C replaced by T.
Protein change: p.Arg183Ter; replaces arginine 183 with a stop codon.
Molecular consequence: nonsense.
Genome position (GRCh38, 1-based): chr19:42,249,565, G>A on the plus strand (C>T on the coding strand, the complement: ERF is on the minus strand). VCF-style: chr19-42249565-G-A. GRCh37 (hg19) VCF-style: chr19-42753717-G-A.
Other names: c.322C>T, p.Arg108Ter (NM_001301035.2, NM_001308402.2, NM_001312656.2); short protein forms R183*, R108*.
Identifiers: ClinVar variation 55923 (VCV000055923.13), dbSNP rs587777006, ClinGen allele CA249528.